The following is an entry in ClinVar:

NM_007375.4(TARDBP):c.821G>A (p.Gly274Glu)

Gene: TARDBP (TAR DNA binding protein; plus strand). Cytogenetic location: 1p36.22.
Variant type: single nucleotide variant.
Coding change: c.821G>A on transcript NM_007375.4 (MANE Select); coding-DNA position 821, G replaced by A.
Protein change: p.Gly274Glu; replaces glycine 274 with glutamic acid.
Molecular consequence: missense variant.
Genome position (GRCh38, 1-based): chr1:11,022,230, G>A. VCF-style: chr1-11022230-G-A. GRCh37 (hg19) VCF-style: chr1-11082287-G-A.
Other names: short protein forms G274E.
Identifiers: ClinVar variation 4783043 (VCV004783043.1).

ClinVar aggregate classification (germline): Uncertain significance (1 of 4 stars; one submission).

Conditions:
Amyotrophic lateral sclerosis type 10 (ALS10). Also called: Amyotrophic lateral sclerosis 10, with or without FTD; AMYOTROPHIC LATERAL SCLEROSIS 10 WITHOUT FRONTOTEMPORAL DEMENTIA AND WITH TDP43 INCLUSIONS; AMYOTROPHIC LATERAL SCLEROSIS 10 WITH OR WITHOUT FRONTOTEMPORAL DEMENTIA AND WITH TDP43 INCLUSIONS; AMYOTROPHIC LATERAL SCLEROSIS 10 WITH OR WITHOUT FRONTOTEMPORAL DEMENTIA; TARDBP-Related Amyotrophic Lateral Sclerosis-Frontotemporal Dementia. Identifiers: Orphanet 275872, Orphanet 803, MedGen C2677565, MONDO:0012790, OMIM 612069.
FRONTOTEMPORAL LOBAR DEGENERATION WITH TDP43 INCLUSIONS, TARDBP-RELATED. Also called: Frontotemporal lobar degeneration, TARDBP-related. Identifiers: MedGen C3150169, OMIM 612069.

Submission:

Labcorp Genetics (formerly Invitae), Labcorp
Classification: Uncertain significance for Amyotrophic lateral sclerosis type 10; FRONTOTEMPORAL LOBAR DEGENERATION WITH TDP43 INCLUSIONS, TARDBP-RELATED. Last evaluated: 2025-03-18. Review status: criteria provided, single submitter. Criteria: Invitae Variant Classification Sherloc (09022015). Collection method: clinical testing. Allele origin: germline.
Comment: This sequence change replaces glycine, which is neutral and non-polar, with glutamic acid, which is acidic and polar, at codon 274 of the TARDBP protein (p.Gly274Glu). This variant is not present in population databases (gnomAD no frequency). This variant has not been reported in the literature in individuals affected with TARDBP-related conditions. Invitae Evidence Modeling of protein sequence and biophysical properties (such as structural, functional, and spatial information, amino acid conservation, physicochemical variation, residue mobility, and thermodynamic stability) indicates that this missense variant is not expected to disrupt TARDBP protein function with a negative predictive value of 80%. In summary, the available evidence is currently insufficient to determine the role of this variant in disease. Therefore, it has been classified as a Variant of Uncertain Significance.